The following is an entry in ClinVar:

ClinVar aggregate classification (germline): Likely benign. Review status: criteria provided, multiple submitters, no conflicts (2 of 4 stars). 3 submissions from 3 submitters: Likely benign (2). 1 of the submissions does not count toward it. Last evaluated 2025-05-23.

Conditions:
Neuropathy, hereditary sensory and autonomic, type 2A (HSAN2A). Also called: HSAN IIA; WNK1-Related HSAN2 (HSAN2A); MORVAN DISEASE; NEUROPATHY, CONGENITAL SENSORY; NEUROPATHY, HEREDITARY SENSORY RADICULAR, AUTOSOMAL RECESSIVE; NEUROPATHY, HEREDITARY SENSORY, TYPE IIA. Identifiers: Orphanet 970, MedGen C2752089, MONDO:0024309, OMIM 201300.
Pseudohypoaldosteronism type 2C (PHA2C). Also called: Pseudohypoaldosteronism Type IIC. Identifiers: Orphanet 757, Orphanet 88940, MedGen C1840391, MONDO:0013778, OMIM 614492.
WNK1-related disorder. Also called: WNK1-related condition.

Allele frequency attached by ClinVar (database versions not stated): ExAC 0.00001; gnomAD exomes 0.00001 and 0.00004; TOPMed 0.00002; gnomAD 0.00003.
gnomAD v4.1: 64 of 1,612,712 alleles (0.004%); highest among the groups gnomAD compares: South Asian, 0.0044%; no homozygotes.

Submissions (3):

Women's Health and Genetics/Laboratory Corporation of America, LabCorp
Classification: Likely benign. Last evaluated: 2025-05-23. Review status: criteria provided, single submitter. Criteria: LabCorp Variant Classification Summary - May 2015. Collection method: clinical testing. Allele origin: germline.

Labcorp Genetics (formerly Invitae), Labcorp
Classification: Likely benign for Neuropathy, hereditary sensory and autonomic, type 2A; Pseudohypoaldosteronism type 2C. Last evaluated: 2024-11-05. Review status: criteria provided, single submitter. Criteria: Invitae Variant Classification Sherloc (09022015). Collection method: clinical testing. Allele origin: germline.

PreventionGenetics, part of Exact Sciences
Classification: Likely benign for WNK1-related condition. Last evaluated: 2019-06-06. Review status: no assertion criteria provided. Collection method: clinical testing. Allele origin: germline. Not counted in ClinVar's aggregate classification.
Comment: This variant is classified as likely benign based on ACMG/AMP sequence variant interpretation guidelines (Richards et al. 2015 PMID: 25741868, with internal and published modifications).

NM_018979.4(WNK1):c.763C>A (p.Arg255=)

Gene: WNK1 (WNK lysine deficient protein kinase 1; plus strand). Cytogenetic location: 12p13.33.
Variant type: single nucleotide variant.
Coding change: c.763C>A on transcript NM_018979.4 (MANE Select); coding-DNA position 763, C replaced by A.
Protein change: p.Arg255=; no amino-acid change (arginine 255 retained).
Molecular consequence: synonymous variant.
Genome position (GRCh38, 1-based): chr12:813,645, C>A. VCF-style: chr12-813645-C-A. GRCh37 (hg19) VCF-style: chr12-922811-C-A.
Other names: c.763C>A, p.Arg255= (NM_001184985.2, NM_014823.3, NM_213655.5).
Identifiers: ClinVar variation 538541 (VCV000538541.14), dbSNP rs764593537, ClinGen allele CA6381845.